The following is an entry in ClinVar:

ClinVar aggregate classification (germline): Likely benign. Review status: criteria provided, multiple submitters, no conflicts (2 of 4 stars). 3 submissions from 3 submitters: Likely benign (3). Last evaluated 2025-09-23.

Allele frequency attached by ClinVar (database versions not stated): ExAC 0.00017; gnomAD exomes 0.00018; TOPMed 0.00026; gnomAD 0.00028 and 0.00030; ESP Exome Variant Server 0.00031.

Submissions (7):

Labcorp Genetics (formerly Invitae), Labcorp
Classification: Likely benign. Last evaluated: 2025-09-23. Review status: criteria provided, single submitter. Criteria: Invitae Variant Classification Sherloc (09022015). Collection method: clinical testing. Allele origin: germline.

Blueprint Genetics
Classification: Likely benign. Last evaluated: 2024-09-04. Review status: criteria provided, single submitter. Criteria: ACMG Guidelines, 2015. Collection method: clinical testing. Allele origin: germline.

GeneDx
Classification: Likely benign. Last evaluated: 2017-11-22. Review status: criteria provided, single submitter. Criteria: GeneDx Variant Classification (06012015). Collection method: clinical testing. Allele origin: germline. Affected: yes.
Comment: This variant is considered likely benign or benign based on one or more of the following criteria: it is a conservative change, it occurs at a poorly conserved position in the protein, it is predicted to be benign by multiple in silico algorithms, and/or has population frequency not consistent with disease.

Dr. Peter K. Rogan Lab, Western University
No classification provided (evidence only). Condition: Acute myeloid leukemia. Review status: no classification provided. Collection method: in vitro. Allele origin: not applicable. Functional consequence: skipped exon, retained intron. Not counted in ClinVar's aggregate classification.

Dr. Peter K. Rogan Lab, Western University
No classification provided (evidence only). Condition: Uterine corpus endometrial carcinoma. Review status: no classification provided. Collection method: in vitro. Allele origin: not applicable. Functional consequence: retained intron. Not counted in ClinVar's aggregate classification.

Dr. Peter K. Rogan Lab, Western University
No classification provided (evidence only). Condition: Cervical cancer. Review status: no classification provided. Collection method: in vitro. Allele origin: not applicable. Functional consequence: retained intron. Not counted in ClinVar's aggregate classification.

Dr. Peter K. Rogan Lab, Western University
No classification provided (evidence only). Condition: Ovarian serous cystadenocarcinoma. Review status: no classification provided. Collection method: in vitro. Allele origin: not applicable. Functional consequence: skipped exon, retained intron. Not counted in ClinVar's aggregate classification.

NM_006009.4(TUBA1A):c.227-17C>G

Gene: TUBA1A (tubulin alpha 1a; minus strand). Cytogenetic location: 12q13.12.
Variant type: single nucleotide variant.
Coding change: c.227-17C>G on transcript NM_006009.4 (MANE Select); 17 bases into the intron before coding-DNA position 227, C replaced by G.
Molecular consequence: intron variant.
Genome position (GRCh38, 1-based): chr12:49,186,475, G>C on the plus strand (C>G on the coding strand, the complement: TUBA1A is on the minus strand). VCF-style: chr12-49186475-G-C. GRCh37 (hg19) VCF-style: chr12-49580258-G-C.
Other names: c.122-17C>G (NM_001270400.2); c.227-17C>G (NM_001270399.2).
Identifiers: ClinVar variation 513638 (VCV000513638.10), dbSNP rs367632910, ClinGen allele CA6550284.
Genomic context (GRCh38, chr12:49,186,475, plus strand): 5'-CTCAGGGTGGAAGAGCTGGCGGTAGGTGCCAGTGCGAACTTCATCTGGAGAACATGATGG[G>C]GGAGGAGCAGGGGGGAGGAGGAGGAGGGACGAGGAGCGGGGAGGGAGAGTGGGTGAGTGA-3'